The following is an entry in ClinVar:

ClinVar aggregate classification (germline): Uncertain significance (1 of 4 stars; one submission).

gnomAD v4.1: 3 of 1,613,918 alleles (0.00019%); highest among the groups gnomAD compares: Non-Finnish European, 0.00025%; no homozygotes.

Submission:

Labcorp Genetics (formerly Invitae), Labcorp
Classification: Uncertain significance. Last evaluated: 2021-02-18. Review status: criteria provided, single submitter. Criteria: Invitae Variant Classification Sherloc (09022015). Collection method: clinical testing. Allele origin: germline.
Comment: This variant has not been reported in the literature in individuals with HPS6-related conditions. This variant is not present in population databases (ExAC no frequency). This sequence change replaces arginine with glycine at codon 256 of the HPS6 protein (p.Arg256Gly). The arginine residue is moderately conserved and there is a moderate physicochemical difference between arginine and glycine. Algorithms developed to predict the effect of missense changes on protein structure and function are either unavailable or do not agree on the potential impact of this missense change (SIFT: "Tolerated"; PolyPhen-2: "Possibly Damaging"; Align-GVGD: "Class C0"). In summary, the available evidence is currently insufficient to determine the role of this variant in disease. Therefore, it has been classified as a Variant of Uncertain Significance.

NM_024747.6(HPS6):c.766C>G (p.Arg256Gly)

Gene: HPS6 (HPS6 biogenesis of lysosomal organelles complex 2 subunit 3; plus strand). Cytogenetic location: 10q24.32.
Variant type: single nucleotide variant.
Coding change: c.766C>G on transcript NM_024747.6 (MANE Select); coding-DNA position 766, C replaced by G.
Protein change: p.Arg256Gly; replaces arginine 256 with glycine.
Molecular consequence: missense variant.
Genome position (GRCh38, 1-based): chr10:102,066,240, C>G. VCF-style: chr10-102066240-C-G. GRCh37 (hg19) VCF-style: chr10-103825997-C-G.
Other names: short protein forms R256G.
Identifiers: ClinVar variation 1511538 (VCV001511538.8), dbSNP rs2067969080, ClinGen allele CA377858796.
Genomic context (GRCh38, chr10:102,066,240, plus strand): 5'-TCCTACAGTAAGAGTCTGAATCCTGGACGAGGGGACACATGGGACTTCCGGACCCTGCTC[C>G]GAGGCCTTCCTGGGTTGCTGTCCCCCAGGGAGCCACTGGCTGTACACACCTGGGCCCCAA-3'
Protein context (NP_079023.2, residues 246-266): GDTWDFRTLL[Arg256Gly]GLPGLLSPRE